The following is an entry in ClinVar:

ClinVar aggregate classification (germline): Likely benign (0 of 4 stars; one submission).

Conditions:
ARSD-related disorder. Also called: ARSD-related condition.

Allele frequency attached by ClinVar (database versions not stated): ExAC 0.00007.

Submission:

PreventionGenetics, part of Exact Sciences
Classification: Likely benign for ARSD-related condition. Last evaluated: 2020-07-31. Review status: no assertion criteria provided. Collection method: clinical testing. Allele origin: germline.
Comment: This variant is classified as likely benign based on ACMG/AMP sequence variant interpretation guidelines (Richards et al. 2015 PMID: 25741868, with internal and published modifications).

NM_001669.4(ARSD):c.959G>A (p.Gly320Asp)

Gene: ARSD (arylsulfatase D; minus strand). Cytogenetic location: Xp22.33.
Variant type: single nucleotide variant.
Coding change: c.959G>A on transcript NM_001669.4 (MANE Select); coding-DNA position 959, G replaced by A.
Protein change: p.Gly320Asp; replaces glycine 320 with aspartic acid.
Molecular consequence: missense variant.
Genome position (GRCh38, 1-based): chrX:2,915,597, C>T on the plus strand (G>A on the coding strand, the complement: ARSD is on the minus strand). VCF-style: chrX-2915597-C-T. GRCh37 (hg19) VCF-style: chrX-2833638-C-T.
Other names: c.959G>A, p.Gly320Asp (NM_009589.5); short protein forms G320D.
Identifiers: ClinVar variation 3060487 (VCV003060487.2), dbSNP rs370769167, ClinGen allele CA10337616.